The following is an entry in ClinVar:

NM_170606.3(KMT2C):c.9529C>A (p.Arg3177Ser)

Gene: KMT2C (lysine methyltransferase 2C; minus strand). Cytogenetic location: 7q36.1.
Variant type: single nucleotide variant.
Coding change: c.9529C>A on transcript NM_170606.3 (MANE Select); coding-DNA position 9529, C replaced by A.
Protein change: p.Arg3177Ser; replaces arginine 3177 with serine.
Molecular consequence: missense variant.
Genome position (GRCh38, 1-based): chr7:152,167,367, G>T on the plus strand (C>A on the coding strand, the complement: KMT2C is on the minus strand). VCF-style: chr7-152167367-G-T. GRCh37 (hg19) VCF-style: chr7-151864452-G-T.
Other names: short protein forms R3177S.
Identifiers: ClinVar variation 2110994 (VCV002110994.4), dbSNP rs145072739, ClinGen allele CA370106999.

ClinVar aggregate classification (germline): Uncertain significance (1 of 4 stars; one submission).

gnomAD v4.1: 2 of 1,604,918 alleles (0.00012%); highest among the groups gnomAD compares: South Asian, 0.0011%; no homozygotes.

Submission:

Labcorp Genetics (formerly Invitae), Labcorp
Classification: Uncertain significance. Last evaluated: 2022-10-13. Review status: criteria provided, single submitter. Criteria: Invitae Variant Classification Sherloc (09022015). Collection method: clinical testing. Allele origin: germline.
Comment: In summary, the available evidence is currently insufficient to determine the role of this variant in disease. Therefore, it has been classified as a Variant of Uncertain Significance. Advanced modeling of protein sequence and biophysical properties (such as structural, functional, and spatial information, amino acid conservation, physicochemical variation, residue mobility, and thermodynamic stability) performed at Invitae indicates that this missense variant is expected to disrupt KMT2C protein function. This variant has not been reported in the literature in individuals affected with KMT2C-related conditions. This variant is not present in population databases (gnomAD no frequency). This sequence change replaces arginine, which is basic and polar, with serine, which is neutral and polar, at codon 3177 of the KMT2C protein (p.Arg3177Ser).